The following is an entry in ClinVar:

ClinVar aggregate classification (germline): Uncertain significance. Review status: criteria provided, multiple submitters, no conflicts (2 of 4 stars). 2 submissions from 2 submitters: Uncertain significance (2). Last evaluated 2025-03-17.

Conditions:
Inborn genetic diseases. Identifiers: MedGen C0950123, MeSH D030342.
Joubert syndrome 15 (JBTS15). Identifiers: Orphanet 475, MedGen C3280897, MONDO:0013763, OMIM 614464.

Allele frequency attached by ClinVar (database versions not stated): ExAC 0.00002; gnomAD exomes 0.00002; TOPMed 0.00002; gnomAD 0.00003 and 0.00004; ESP Exome Variant Server 0.00008.
gnomAD v4.1: 88 of 1,613,584 alleles (0.0055%); highest among the groups gnomAD compares: Non-Finnish European, 0.007%; no homozygotes.

Submissions (2):

Labcorp Genetics (formerly Invitae), Labcorp
Classification: Uncertain significance for Joubert syndrome 15. Last evaluated: 2025-03-17. Review status: criteria provided, single submitter. Criteria: Invitae Variant Classification Sherloc (09022015). Collection method: clinical testing. Allele origin: germline.
Comment: This sequence change replaces proline, which is neutral and non-polar, with leucine, which is neutral and non-polar, at codon 262 of the CEP41 protein (p.Pro262Leu). This variant is present in population databases (rs200709703, gnomAD 0.005%). This variant has not been reported in the literature in individuals affected with CEP41-related conditions. ClinVar contains an entry for this variant (Variation ID: 847423). Invitae Evidence Modeling of protein sequence and biophysical properties (such as structural, functional, and spatial information, amino acid conservation, physicochemical variation, residue mobility, and thermodynamic stability) has been performed for this missense variant. However, the output from this modeling did not meet the statistical confidence thresholds required to predict the impact of this variant on CEP41 protein function. In summary, the available evidence is currently insufficient to determine the role of this variant in disease. Therefore, it has been classified as a Variant of Uncertain Significance.

Ambry Genetics
Classification: Uncertain significance for Inborn genetic diseases. Last evaluated: 2022-11-17. Review status: criteria provided, single submitter. Criteria: Ambry Variant Classification Scheme 2023. Collection method: clinical testing. Allele origin: germline.

NM_018718.3(CEP41):c.785C>T (p.Pro262Leu)

Gene: CEP41 (centrosomal protein 41; minus strand). Cytogenetic location: 7q32.2.
Variant type: single nucleotide variant.
Coding change: c.785C>T on transcript NM_018718.3 (MANE Select); coding-DNA position 785, C replaced by T.
Protein change: p.Pro262Leu; replaces proline 262 with leucine.
Molecular consequence: missense variant. On other transcripts: non-coding transcript variant (1), intron variant (2).
Genome position (GRCh38, 1-based): chr7:130,400,227, G>A on the plus strand (C>T on the coding strand, the complement: CEP41 is on the minus strand). VCF-style: chr7-130400227-G-A. GRCh37 (hg19) VCF-style: chr7-130040068-G-A.
Other names: c.709+480C>T (NM_001257159.2); c.757+480C>T (NM_001257158.2); c.785C>T (NM_018718.1); short protein forms P262L.
Identifiers: ClinVar variation 847423 (VCV000847423.8), dbSNP rs200709703, ClinGen allele CA4485459.
Genomic context (GRCh38, chr7:130,400,227, plus strand): 5'-GACCCAGGAGGAAGGGCCTGCTGGCAAGATGCTGGCAGGGAACCAGTAATCAGTCCTTCC[G>A]GGAATTTCTGAGCTAAGACTTTTAGACCTAGGTTTGGAAAATCATCAGAAAAAGCTGCAT-3'
Protein context (NP_061188.1, residues 252-272): GGLKVLAQKF[Pro262Leu]EGLITGSLPA